The following is an entry in ClinVar:

NM_021096.4(CACNA1I):c.3870G>A (p.Pro1290=)

Gene: CACNA1I (calcium voltage-gated channel subunit alpha1 I; plus strand). Cytogenetic location: 22q13.1.
Variant type: single nucleotide variant.
Coding change: c.3870G>A on transcript NM_021096.4 (MANE Select); coding-DNA position 3870, G replaced by A.
Protein change: p.Pro1290=; no amino-acid change (proline 1290 retained).
Molecular consequence: synonymous variant.
Genome position (GRCh38, 1-based): chr22:39,665,516, G>A. VCF-style: chr22-39665516-G-A. GRCh37 (hg19) VCF-style: chr22-40061521-G-A.
Other names: c.3765G>A, p.Pro1255= (NM_001003406.2).
Identifiers: ClinVar variation 3770986 (VCV003770986.13).
Genomic context (GRCh38, chr22:39,665,516, plus strand): 5'-TGGCCAAGGGATTATGTGTGCCTGGCCTCTCCCTGCCGTCAGTGTCATCAGCCGGGCGCC[G>A]GGCCTGAAGCTGGTGGTGGAGACACTCATCTCCTCCCTCAAGCCCATCGGCAACATCGTG-3'
Protein context (NP_066919.2, residues 1280-1300): LRPLRVISRA[Pro1290=]GLKLVVETLI

ClinVar aggregate classification (germline): Likely benign (1 of 4 stars; one submission).

gnomAD v4.1: 106 of 1,613,514 alleles (0.0066%); highest among the groups gnomAD compares: Middle Eastern, 0.016%; no homozygotes.

Submission:

CeGaT Center for Human Genetics Tuebingen
Classification: Likely benign. Last evaluated: 2024-12-01. Review status: criteria provided, single submitter. Criteria: CeGaT Center For Human Genetics Tuebingen Variant Classification Criteria Version 2. Collection method: clinical testing. Allele origin: germline. Affected: yes. Observed: 1 variant allele.
Comment: CACNA1I: BP4, BP7